The following is an entry in ClinVar:

ClinVar aggregate classification (germline): Uncertain significance (0 of 4 stars; one submission).

Conditions:
LEPR-related disorder. Also called: LEPR-related condition; LEPR-related disorders.

gnomAD v4.1: 27 of 1,614,112 alleles (0.0017%); highest among the groups gnomAD compares: Non-Finnish European, 0.0023%; no homozygotes.

Submission:

PreventionGenetics, part of Exact Sciences
Classification: Uncertain significance for LEPR-related condition. Last evaluated: 2024-08-05. Review status: no assertion criteria provided. Collection method: clinical testing. Allele origin: germline.
Comment: The LEPR c.1601T>A variant is predicted to result in the amino acid substitution p.Val534Glu. This variant was observed in a cohort of individuals with obesity, and in vitro functional studies showed function similar to wild-type levels (Supplemental Data Set, Shah et al. 2023. PubMed ID: 36864747). This variant is reported in 0.0018% of alleles in individuals of European (Non-Finnish) descent in gnomAD. At this time, the clinical significance of this variant is uncertain due to the absence of conclusive functional and genetic evidence.

NM_002303.6(LEPR):c.1601T>A (p.Val534Glu)

Gene: LEPR (leptin receptor; plus strand). Cytogenetic location: 1p31.3.
Variant type: single nucleotide variant.
Coding change: c.1601T>A on transcript NM_002303.6 (MANE Select); coding-DNA position 1601, T replaced by A.
Protein change: p.Val534Glu; replaces valine 534 with glutamic acid.
Molecular consequence: missense variant.
Genome position (GRCh38, 1-based): chr1:65,605,235, T>A. VCF-style: chr1-65605235-T-A. GRCh37 (hg19) VCF-style: chr1-66070918-T-A.
Other names: c.1601T>A, p.Val534Glu (NM_001003679.3, NM_001003680.3, NM_001198687.2 and 2 more transcripts); short protein forms V534E.
Identifiers: ClinVar variation 3354980 (VCV003354980.1).